The following is an entry in ClinVar:

NM_001367624.2(ZNF469):c.6673C>A (p.Pro2225Thr)

Gene: ZNF469 (zinc finger protein 469; plus strand). Cytogenetic location: 16q24.2.
Variant type: single nucleotide variant.
Coding change: c.6673C>A on transcript NM_001367624.2 (MANE Select); coding-DNA position 6673, C replaced by A.
Protein change: p.Pro2225Thr; replaces proline 2225 with threonine.
Molecular consequence: missense variant.
Genome position (GRCh38, 1-based): chr16:88,434,143, C>A. VCF-style: chr16-88434143-C-A. GRCh37 (hg19) VCF-style: chr16-88500551-C-A.
Other names: NM_001127464.1:c.6589C>A; short protein forms P2225T.
Identifiers: ClinVar variation 2626101 (VCV002626101.2), dbSNP rs2507594172, ClinGen allele CA397106457.

ClinVar aggregate classification (germline): Uncertain significance (1 of 4 stars; one submission).

Conditions:
Cardiovascular phenotype. Identifiers: MedGen CN230736.

Submission:

Ambry Genetics
Classification: Uncertain significance for Cardiovascular phenotype. Last evaluated: 2023-06-17. Review status: criteria provided, single submitter. Criteria: Ambry Variant Classification Scheme 2023. Collection method: clinical testing. Allele origin: germline.
Comment: The p.P2197T variant (also known as c.6589C>A), located in coding exon 2 of the ZNF469 gene, results from a C to A substitution at nucleotide position 6589. The proline at codon 2197 is replaced by threonine, an amino acid with highly similar properties. This amino acid position is conserved. In addition, this alteration is predicted to be tolerated by in silico analysis. Since supporting evidence is limited at this time, the clinical significance of this alteration remains unclear.